The following is an entry in ClinVar:

NM_001184.4(ATR):c.1778T>C (p.Met593Thr)

Gene: ATR (ATR checkpoint kinase; minus strand). Cytogenetic location: 3q23.
Variant type: single nucleotide variant.
Coding change: c.1778T>C on transcript NM_001184.4 (MANE Select); coding-DNA position 1778, T replaced by C.
Protein change: p.Met593Thr; replaces methionine 593 with threonine.
Molecular consequence: missense variant.
Genome position (GRCh38, 1-based): chr3:142,558,731, A>G on the plus strand (T>C on the coding strand, the complement: ATR is on the minus strand). VCF-style: chr3-142558731-A-G. GRCh37 (hg19) VCF-style: chr3-142277573-A-G.
Other names: c.1586T>C, p.Met529Thr (NM_001354579.2); short protein forms M529T, M593T.
Identifiers: ClinVar variation 2048722 (VCV002048722.4), dbSNP rs145459793, ClinGen allele CA2650517.

ClinVar aggregate classification (germline): Uncertain significance (1 of 4 stars; one submission).

Allele frequency attached by ClinVar (database versions not stated): ExAC 0.00002; gnomAD 0.00002; TOPMed 0.00002; ESP Exome Variant Server 0.00008.

Submission:

Labcorp Genetics (formerly Invitae), Labcorp
Classification: Uncertain significance. Last evaluated: 2025-05-26. Review status: criteria provided, single submitter. Criteria: Invitae Variant Classification Sherloc (09022015). Collection method: clinical testing. Allele origin: germline.
Comment: This sequence change replaces methionine, which is neutral and non-polar, with threonine, which is neutral and polar, at codon 593 of the ATR protein (p.Met593Thr). This variant is present in population databases (rs145459793, gnomAD 0.02%). This variant has not been reported in the literature in individuals affected with ATR-related conditions. ClinVar contains an entry for this variant (Variation ID: 2048722). An algorithm developed to predict the effect of missense changes on protein structure and function (PolyPhen-2) suggests that this variant is likely to be tolerated. In summary, the available evidence is currently insufficient to determine the role of this variant in disease. Therefore, it has been classified as a Variant of Uncertain Significance.